The following is an entry in ClinVar:

NM_182760.4(SUMF1):c.692G>A (p.Trp231Ter)

Gene: SUMF1 (sulfatase modifying factor 1; minus strand). Cytogenetic location: 3p26.1.
Variant type: single nucleotide variant.
Coding change: c.692G>A on transcript NM_182760.4 (MANE Select); coding-DNA position 692, G replaced by A.
Protein change: p.Trp231Ter; replaces tryptophan 231 with a stop codon.
Molecular consequence: nonsense.
Genome position (GRCh38, 1-based): chr3:4,418,043, C>T on the plus strand (G>A on the coding strand, the complement: SUMF1 is on the minus strand). VCF-style: chr3-4418043-C-T. GRCh37 (hg19) VCF-style: chr3-4459727-C-T.
Other names: c.617G>A, p.Trp206Ter (NM_001164674.2); c.692G>A, p.Trp231Ter (NM_001164675.2); short protein forms W206*, W231*.
Identifiers: ClinVar variation 3001362 (VCV003001362.3), dbSNP rs2469858111, ClinGen allele CA351632513.

ClinVar aggregate classification (germline): Pathogenic (1 of 4 stars; one submission).

Conditions:
Multiple sulfatase deficiency (MSD). Also called: Mucosulfatidosis; Multiple Sulfatase Deficiency Disease; Sulfatidosis, Juvenile, Austin Type. Identifiers: Orphanet 585, MedGen C0268263, MONDO:0010088, OMIM 272200.

Allele frequency attached by ClinVar (database versions not stated): gnomAD exomes below 0.00001.
gnomAD v4.1: 1 of 1,614,056 alleles (0.000062%); highest among the groups gnomAD compares: Non-Finnish European, 0.000085%; no homozygotes.

Submission:

Labcorp Genetics (formerly Invitae), Labcorp
Classification: Pathogenic for Multiple sulfatase deficiency. Last evaluated: 2023-04-25. Review status: criteria provided, single submitter. Criteria: Invitae Variant Classification Sherloc (09022015). Collection method: clinical testing. Allele origin: germline.
Comment: This variant is not present in population databases (gnomAD no frequency). This sequence change creates a premature translational stop signal (p.Trp231*) in the SUMF1 gene. It is expected to result in an absent or disrupted protein product. Loss-of-function variants in SUMF1 are known to be pathogenic (PMID: 12757705, 12757706, 25885655). This variant has not been reported in the literature in individuals affected with SUMF1-related conditions. For these reasons, this variant has been classified as Pathogenic.

Literature cited by the submitters: PubMed 12757705; PubMed 12757706; PubMed 25885655.